The following is an entry in ClinVar:

NM_017852.5(NLRP2):c.1432_1433delinsCT (p.Ser478Leu)

Gene: NLRP2 (NLR family pyrin domain containing 2; plus strand). Cytogenetic location: 19q13.42.
Variant type: Indel.
Coding change: c.1432_1433delinsCT on transcript NM_017852.5 (MANE Select); coding-DNA positions 1432 to 1433, TC replaced by CT.
Protein change: p.Ser478Leu; replaces serine 478 with leucine.
Molecular consequence: missense variant. On other transcripts: non-coding transcript variant (1).
Genome position (GRCh38, 1-based): chr19:54,983,130-54,983,131, TC replaced by CT. VCF-style: chr19-54983130-TC-CT. GRCh37 (hg19) VCF-style: chr19-55494498-TC-CT.
Other names: c.1432_1433delinsCT, p.Ser478Leu (NM_001174081.3); c.1366_1367delinsCT, p.Ser456Leu (NM_001174082.3); c.1363_1364delinsCT, p.Ser455Leu (NM_001174083.2); c.1423_1424delinsCT, p.Ser475Leu (NM_001348003.2); short protein forms S455L, S456L, S475L, S478L.
Identifiers: ClinVar variation 4528209 (VCV004528209.1).

ClinVar aggregate classification (germline): Uncertain significance (1 of 4 stars; one submission).

Submission:

GeneDx
Classification: Uncertain significance. Last evaluated: 2025-05-10. Review status: criteria provided, single submitter. Criteria: GeneDx Variant Classification Process June 2021. Collection method: clinical testing. Allele origin: germline. Affected: yes.
Comment: Not observed at significant frequency in large population cohorts (gnomAD); In silico analysis suggests that this variant does not alter protein structure/function; Has not been previously published as pathogenic or benign to our knowledge